The following is an entry in ClinVar:

NM_003803.4(MYOM1):c.3012C>G (p.Asn1004Lys)

Gene: MYOM1 (myomesin 1; minus strand). Cytogenetic location: 18p11.31.
Variant type: single nucleotide variant.
Coding change: c.3012C>G on transcript NM_003803.4 (MANE Select); coding-DNA position 3012, C replaced by G.
Protein change: p.Asn1004Lys; replaces asparagine 1004 with lysine.
Molecular consequence: missense variant.
Genome position (GRCh38, 1-based): chr18:3,119,975, G>C on the plus strand (C>G on the coding strand, the complement: MYOM1 is on the minus strand). VCF-style: chr18-3119975-G-C. GRCh37 (hg19) VCF-style: chr18-3119973-G-C.
Other names: c.2724C>G, p.Asn908Lys (NM_019856.2); short protein forms N1004K, N908K.
Identifiers: ClinVar variation 2086792 (VCV002086792.4), dbSNP rs1598692025, ClinGen allele CA401707619.

ClinVar aggregate classification (germline): Uncertain significance (1 of 4 stars; one submission).

Conditions:
Hypertrophic cardiomyopathy. Also called: HYPERTROPHIC MYOCARDIOPATHY. Identifiers: Orphanet 217569, MedGen C0007194, MeSH D002312, MONDO:0005045, HP:0001639.

Submission:

Labcorp Genetics (formerly Invitae), Labcorp
Classification: Uncertain significance for Hypertrophic cardiomyopathy. Last evaluated: 2022-07-12. Review status: criteria provided, single submitter. Criteria: Invitae Variant Classification Sherloc (09022015). Collection method: clinical testing. Allele origin: germline.
Comment: This variant has not been reported in the literature in individuals affected with MYOM1-related conditions. This variant is not present in population databases (gnomAD no frequency). This sequence change replaces asparagine, which is neutral and polar, with lysine, which is basic and polar, at codon 1004 of the MYOM1 protein (p.Asn1004Lys). Algorithms developed to predict the effect of missense changes on protein structure and function are either unavailable or do not agree on the potential impact of this missense change (SIFT: "Deleterious"; PolyPhen-2: "Probably Damaging"; Align-GVGD: "Class C0"). In summary, the available evidence is currently insufficient to determine the role of this variant in disease. Therefore, it has been classified as a Variant of Uncertain Significance.